The following is an entry in ClinVar:

ClinVar aggregate classification (germline): Uncertain significance. Review status: criteria provided, multiple submitters, no conflicts (2 of 4 stars). 3 submissions from 3 submitters: Uncertain significance (2). 1 of the submissions does not count toward it. Last evaluated 2025-06-07.

Conditions:
Inborn genetic diseases. Identifiers: MedGen C0950123, MeSH D030342.
BBS9-related disorder. Also called: BBS9-related condition.

gnomAD v4.1: 15 of 1,613,678 alleles (0.00093%); highest among the groups gnomAD compares: African/African-American, 0.0027%; no homozygotes.

Submissions (3):

Women's Health and Genetics/Laboratory Corporation of America, LabCorp
Classification: Uncertain significance. Last evaluated: 2025-06-07. Review status: criteria provided, single submitter. Criteria: LabCorp Variant Classification Summary - May 2015. Collection method: clinical testing. Allele origin: germline.

Ambry Genetics
Classification: Uncertain significance for Inborn genetic diseases. Last evaluated: 2024-12-07. Review status: criteria provided, single submitter. Criteria: Ambry Variant Classification Scheme 2023. Collection method: clinical testing. Allele origin: germline.

PreventionGenetics, part of Exact Sciences
Classification: Uncertain significance for BBS9-related condition. Last evaluated: 2024-07-10. Review status: no assertion criteria provided. Collection method: clinical testing. Allele origin: germline. Not counted in ClinVar's aggregate classification.
Comment: The BBS9 c.1014G>T variant is predicted to result in the amino acid substitution p.Leu338Phe. To our knowledge, this variant has not been reported in the literature. The BBS9 c.1014G>T variant is reported in 0.0065% of alleles in individuals of South Asian descent in gnomAD. The BBS9 c.1014G>T variant is typically found in cis with c.1015C>T (p.His339Tyr) in gnomAD, forming a complex allele. It has been reported in ClinVar as c.1014_1015delinsTT (p.Leu338_His339delinsPheTyr) and classified as a variant of uncertain significance, but, to our knowledge, has not been reported in the literature either. At this time, the clinical significance of this variant is uncertain due to the absence of conclusive functional and genetic evidence.

NM_198428.3(BBS9):c.1014G>T (p.Leu338Phe)

Gene: BBS9 (Bardet-Biedl syndrome 9; plus strand). Cytogenetic location: 7p14.3.
Variant type: single nucleotide variant.
Coding change: c.1014G>T on transcript NM_198428.3 (MANE Select); coding-DNA position 1014, G replaced by T.
Protein change: p.Leu338Phe; replaces leucine 338 with phenylalanine.
Molecular consequence: missense variant. On other transcripts: non-coding transcript variant (3).
Genome position (GRCh38, 1-based): chr7:33,273,954, G>T. VCF-style: chr7-33273954-G-T. GRCh37 (hg19) VCF-style: chr7-33313566-G-T.
Other names: c.1014G>T, p.Leu338Phe (NM_001033604.2, NM_001033605.2, NM_001348036.1 and 5 more transcripts); c.648G>T, p.Leu216Phe (NM_001348037.3, NM_001348044.3, NM_001348045.3 and 1 more transcripts); c.741G>T, p.Leu247Phe (NM_001348038.3, NM_001348039.3); c.879G>T, p.Leu293Phe (NM_001348042.3); short protein forms L216F, L247F, L293F, L338F.
Identifiers: ClinVar variation 3357089 (VCV003357089.3).